The following is an entry in ClinVar:

NM_000540.3(RYR1):c.8298G>C (p.Trp2766Cys)

Gene: RYR1 (ryanodine receptor 1; plus strand). Cytogenetic location: 19q13.2.
Variant type: single nucleotide variant.
Coding change: c.8298G>C on transcript NM_000540.3 (MANE Select); coding-DNA position 8298, G replaced by C.
Protein change: p.Trp2766Cys; replaces tryptophan 2766 with cysteine.
Molecular consequence: missense variant.
Genome position (GRCh38, 1-based): chr19:38,505,069, G>C. VCF-style: chr19-38505069-G-C. GRCh37 (hg19) VCF-style: chr19-38995709-G-C.
Other names: c.8298G>C, p.Trp2766Cys (NM_001042723.2); short protein forms W2766C.
Identifiers: ClinVar variation 1906089 (VCV001906089.2), dbSNP rs2514356272, ClinGen allele CA405677258.

ClinVar aggregate classification (germline): Uncertain significance (1 of 4 stars; one submission).

Conditions:
RYR1-related disorder. Also called: RYR1-related condition; RYR1-related disorders. Identifiers: MedGen CN239331.

Submission:

Labcorp Genetics (formerly Invitae), Labcorp
Classification: Uncertain significance for RYR1-related disorder. Last evaluated: 2022-05-15. Review status: criteria provided, single submitter. Criteria: Invitae Variant Classification Sherloc (09022015). Collection method: clinical testing. Allele origin: germline.
Comment: This sequence change replaces tryptophan, which is neutral and slightly polar, with cysteine, which is neutral and slightly polar, at codon 2766 of the RYR1 protein (p.Trp2766Cys). This variant is not present in population databases (gnomAD no frequency). This variant has not been reported in the literature in individuals affected with RYR1-related conditions. Advanced modeling of protein sequence and biophysical properties (such as structural, functional, and spatial information, amino acid conservation, physicochemical variation, residue mobility, and thermodynamic stability) performed at Invitae indicates that this missense variant is expected to disrupt RYR1 protein function. In summary, the available evidence is currently insufficient to determine the role of this variant in disease. Therefore, it has been classified as a Variant of Uncertain Significance.